The following is an entry in ClinVar:

NM_000179.3(MSH6):c.642C>T (p.Tyr214=)

Gene: MSH6 (mutS homolog 6; plus strand). Cytogenetic location: 2p16.3.
Variant type: single nucleotide variant.
Coding change: c.642C>T on transcript NM_000179.3 (MANE Select); coding-DNA position 642, C replaced by T.
Protein change: p.Tyr214=; no amino-acid change (tyrosine 214 retained).
Molecular consequence: synonymous variant. On other transcripts: 5 prime UTR variant (2).
Genome position (GRCh38, 1-based): chr2:47,798,625, C>T. VCF-style: chr2-47798625-C-T. GRCh37 (hg19) VCF-style: chr2-48025764-C-T.
Other names: c.252C>T, p.Tyr84= (NM_001281492.2); c.-265C>T (NM_001281493.2, NM_001281494.2).
Identifiers: ClinVar variation 36599 (VCV000036599.58), dbSNP rs1800937, ClinGen allele CA016096.

ClinVar aggregate classification (germline): Benign. Review status: reviewed by expert panel (3 of 4 stars). 26 submissions from 26 submitters: Benign (1). 25 of the submissions do not count toward it. Last evaluated 2013-09-05.

Conditions:
Hereditary nonpolyposis colorectal neoplasms. Identifiers: MedGen C0009405, MeSH D003123.
Mismatch repair cancer syndrome 3. Identifiers: MedGen C5436807, MONDO:0030841, OMIM 619097.
Lynch syndrome 5 (LYNCH5). Also called: Colorectal cancer, hereditary nonpolyposis, type 5; Hereditary non-polyposis colorectal cancer, type 5. Identifiers: Orphanet 144, MedGen C1833477, MONDO:0013710, OMIM 614350. Disease mechanism: loss of function.
Endometrial carcinoma. Also called: Endometrial carcinoma, somatic. Identifiers: MedGen C0476089, MONDO:0002447, OMIM 608089, HP:0012114.
Hereditary cancer-predisposing syndrome. Also called: Neoplastic Syndromes, Hereditary; Hereditary neoplastic syndrome; Tumor predisposition; Hereditary Cancer Syndrome. Identifiers: Orphanet 140162, MedGen C0027672, MeSH D009386, MONDO:0015356.
Lynch syndrome. Identifiers: Orphanet 144, MedGen C4552100, MONDO:0005835. Disease mechanism: loss of function.
Carcinoma of colon (CRC). Also called: Colonic carcinoma; Colon carcinoma. Identifiers: MedGen C0699790, MONDO:0002032.

Allele frequency attached by ClinVar (database versions not stated): 1000 Genomes Project 0.02855; 1000 Genomes Project 30x 0.02873; TOPMed 0.06144; ESP Exome Variant Server 0.06912; gnomAD exomes 0.07105; gnomAD 0.07201 and 0.07457; ExAC 0.07350.
gnomAD v4.1: 146,849 of 1,610,204 alleles (9.1%); highest among the groups gnomAD compares: Non-Finnish European, 11%; 7,851 homozygotes.

Submissions (26):

International Society for Gastrointestinal Hereditary Tumours (InSiGHT)
Classification: Benign for Lynch Syndrome. Last evaluated: 2013-09-05. Review status: reviewed by expert panel. Criteria: Guidelines v1.9. Collection method: research. Allele origin: germline.
Comment: MAF >1%

Classified with v1.9 guidelines
ClinVar note: Converted during submission from no known pathogenicity to Benign.

Labcorp Genetics (formerly Invitae), Labcorp
Classification: Benign for Hereditary nonpolyposis colorectal neoplasms. Last evaluated: 2026-02-04. Review status: criteria provided, single submitter. Criteria: Invitae Variant Classification Sherloc (09022015). Collection method: clinical testing. Allele origin: germline. Not counted in ClinVar's aggregate classification.

ARUP Laboratories, Molecular Genetics and Genomics, ARUP Laboratories
Classification: Benign. Last evaluated: 2025-07-31. Review status: criteria provided, single submitter. Criteria: ARUP Molecular Germline Variant Investigation Process 2024. Collection method: clinical testing. Allele origin: germline. Not counted in ClinVar's aggregate classification.

Myriad Genetics, Inc.
Classification: Benign for Lynch syndrome 5. Last evaluated: 2024-12-19. Review status: criteria provided, single submitter. Criteria: Myriad Autosomal Dominant, Autosomal Recessive and X-Linked Classification Criteria (2023). Collection method: clinical testing. Allele origin: unknown. Not counted in ClinVar's aggregate classification.
Comment: This variant is considered benign. This variant is a silent/synonymous amino acid change and it is not expected to impact splicing.

Blueprint Genetics
Classification: Benign. Last evaluated: 2024-11-26. Review status: criteria provided, single submitter. Criteria: ACMG Guidelines, 2015. Collection method: clinical testing. Allele origin: germline. Not counted in ClinVar's aggregate classification.

KCCC/NGS Laboratory, Kuwait Cancer Control Center
Classification: Benign for Lynch syndrome 5. Last evaluated: 2023-07-07. Review status: criteria provided, single submitter. Criteria: ACMG Guidelines, 2015. Collection method: clinical testing. Allele origin: germline. Affected: yes. Not counted in ClinVar's aggregate classification.

Color Diagnostics, LLC DBA Color Health
Classification: Benign for Hereditary cancer-predisposing syndrome. Last evaluated: 2022-01-02. Review status: criteria provided, single submitter. Criteria: ACMG Guidelines, 2015. Collection method: clinical testing. Allele origin: germline. Not counted in ClinVar's aggregate classification.

Fulgent Genetics
Classification: Benign for Endometrial carcinoma; Lynch syndrome 5; Mismatch repair cancer syndrome 3. Last evaluated: 2021-12-13. Review status: criteria provided, single submitter. Criteria: ACMG Guidelines, 2015. Collection method: clinical testing. Allele origin: unknown. Not counted in ClinVar's aggregate classification.

Sema4
Classification: Benign for Hereditary cancer-predisposing syndrome. Last evaluated: 2020-02-24. Review status: criteria provided, single submitter. Criteria: Sema4 Curation Guidelines. Collection method: curation. Allele origin: germline. Not counted in ClinVar's aggregate classification.

Illumina Laboratory Services, Illumina
Classification: Benign for Lynch syndrome 5. Last evaluated: 2018-03-06. Review status: criteria provided, single submitter. Criteria: ICSL Variant Classification Criteria 13 December 2019. Collection method: clinical testing. Allele origin: germline. Not counted in ClinVar's aggregate classification.
Comment: This variant was observed in the ICSL laboratory as part of a predisposition screen in an ostensibly healthy population. It had not been previously curated by ICSL or reported in the Human Gene Mutation Database (HGMD: prior to June 1st, 2018), and was therefore a candidate for classification through an automated scoring system. Utilizing variant allele frequency, disease prevalence and penetrance estimates, and inheritance mode, an automated score was calculated to assess if this variant is too frequent to cause the disease. Based on the score and internal cut-off values, a variant classified as benign is not then subjected to further curation. The score for this variant resulted in a classification of benign for this disease.

Clinical Genetics DNA and cytogenetics Diagnostics Lab, Erasmus MC, Erasmus Medical Center
Classification: Benign for Lynch syndrome 5. Last evaluated: 2015-09-21. Review status: criteria provided, single submitter. Criteria: ACGS Guidelines, 2013. Collection method: clinical testing. Allele origin: germline. Affected: yes. Study: VKGL Data-share Consensus. Not counted in ClinVar's aggregate classification.

GeneDx
Classification: Benign. Last evaluated: 2015-03-03. Review status: criteria provided, single submitter. Criteria: GeneDx Variant Classification Process June 2021. Collection method: clinical testing. Allele origin: germline. Affected: yes. Not counted in ClinVar's aggregate classification.
Comment: This variant is associated with the following publications: (PMID: 27884173, 12547705, 24689082, 23588873)

Ambry Genetics
Classification: Benign for Hereditary cancer-predisposing syndrome. Last evaluated: 2014-11-18. Review status: criteria provided, single submitter. Criteria: Ambry Variant Classification Scheme 2023. Collection method: clinical testing. Allele origin: germline. Not counted in ClinVar's aggregate classification.

Eurofins Ntd Llc (ga)
Classification: Benign. Last evaluated: 2013-02-22. Review status: criteria provided, single submitter. Criteria: EGL Classification Definitions 2015. Collection method: clinical testing. Allele origin: germline. Observed: 8 variant alleles, 8 heterozygotes. Not counted in ClinVar's aggregate classification.

Laboratory for Molecular Medicine, Mass General Brigham Personalized Medicine
Classification: Benign. Last evaluated: 2011-09-21. Review status: criteria provided, single submitter. Criteria: LMM Criteria. Collection method: clinical testing. Allele origin: germline. Observed: 1 variant allele. Not counted in ClinVar's aggregate classification.

Women's Health and Genetics/Laboratory Corporation of America, LabCorp
Classification: Benign for Hereditary non-polyposis colon cancer. Last evaluated: 2011-08-18. Review status: criteria provided, single submitter. Criteria: LabCorp Variant Classification Summary - May 2015. Collection method: clinical testing. Allele origin: germline. Inheritance: autosomal unknown. Not counted in ClinVar's aggregate classification.
ClinVar note: Converted during submission from benign to Benign.

Breakthrough Genomics
Classification: Benign. Review status: criteria provided, single submitter. Criteria: ACMG Guidelines, 2015. Collection method: not provided. Allele origin: germline. Inheritance: Autosomal recessive inheritance. Affected: yes. Not counted in ClinVar's aggregate classification.

PreventionGenetics, part of Exact Sciences
Classification: Benign. Review status: criteria provided, single submitter. Criteria: ACMG Guidelines, 2015. Collection method: clinical testing. Allele origin: germline. Not counted in ClinVar's aggregate classification.

True Health Diagnostics
Classification: Benign for Hereditary cancer-predisposing syndrome. Last evaluated: 2018-02-27. Review status: no assertion criteria provided. Collection method: clinical testing. Allele origin: germline. Not counted in ClinVar's aggregate classification.

Clinical Genetics Laboratory, Department of Pathology, Netherlands Cancer Institute
Classification: Benign. Review status: no assertion criteria provided. Collection method: clinical testing. Allele origin: germline. Affected: yes. Study: VKGL Data-share Consensus. Not counted in ClinVar's aggregate classification.

Clinical Genetics, Academic Medical Center
Classification: Benign. Review status: no assertion criteria provided. Collection method: clinical testing. Allele origin: germline. Affected: yes. Study: VKGL Data-share Consensus. Not counted in ClinVar's aggregate classification.

Department of Pathology and Laboratory Medicine, Sinai Health System
Classification: Benign for Carcinoma of colon. Review status: no assertion criteria provided. Collection method: clinical testing. Allele origin: unknown. Affected: yes. Study: The Canadian Open Genetics Repository (COGR). Not counted in ClinVar's aggregate classification.
Comment: The p.Tyr214Tyr variant is not expected to have clinical significance because it does not alter an amino acid residue and is not located near a splice junction. It is listed in dbSNP database as coming from a "clinical source" (ID#: rs1800937) with a global minor allele frequency (MAF) of 0.050, being identified in varying frequencies in various ethnic groups from the HapMap project. It has been reported in the literature in 69/1520 proband chromosomes of individuals from HNPCC and HNPCC-like families, as well as in breast cancer families with colorectal and/ or endometrial cancer. It was also reported in 22/1336 control chromosomes evaluated (Charames_2000_11153917, de Abajo_2005_16270383, Dovrat_2005_16341805, Hendriks_2003_12547705, Kolodner_1999_10537275, Perez-Cabornero_2009_19250818, Peterlongo_2003_14520694, Plaschke_2000_10699937, Vahteristo_2005_15805151, Verma_1999_10507723). In addition, the variant was also identified in the UMD database (x66) as a neutral alteration, as well as in the InSiGHT and Exome Server databases. In summary, based on the above information, this variant is classified as Benign.

Diagnostic Laboratory, Department of Genetics, University Medical Center Groningen
Classification: Benign for Lynch syndrome 5. Review status: no assertion criteria provided. Collection method: clinical testing. Allele origin: germline. Affected: yes. Study: VKGL Data-share Consensus. Not counted in ClinVar's aggregate classification.

Genome Diagnostics Laboratory, University Medical Center Utrecht
Classification: Benign. Review status: no assertion criteria provided. Collection method: clinical testing. Allele origin: germline. Affected: yes. Study: VKGL Data-share Consensus. Not counted in ClinVar's aggregate classification.

Joint Genome Diagnostic Labs from Nijmegen and Maastricht, Radboudumc and MUMC+
Classification: Benign. Review status: no assertion criteria provided. Collection method: clinical testing. Allele origin: germline. Affected: yes. Study: VKGL Data-share Consensus. Not counted in ClinVar's aggregate classification.

Mayo Clinic Laboratories, Mayo Clinic
Classification: Benign. Review status: no assertion criteria provided. Collection method: clinical testing. Allele origin: unknown. Not counted in ClinVar's aggregate classification.

Literature cited by the submitters: PubMed 20149637 (cited by Laboratory for Molecular Medicine, Mass General Brigham Personalized Medicine); PubMed 14585961 (cited by Laboratory for Molecular Medicine, Mass General Brigham Personalized Medicine); PubMed 20682701 (cited by Laboratory for Molecular Medicine, Mass General Brigham Personalized Medicine); PubMed 19924528 (cited by Laboratory for Molecular Medicine, Mass General Brigham Personalized Medicine); PubMed 10537275 (cited by Laboratory for Molecular Medicine, Mass General Brigham Personalized Medicine and Women's Health and Genetics/Laboratory Corporation of America, LabCorp); PubMed 10699937 (cited by Laboratory for Molecular Medicine, Mass General Brigham Personalized Medicine and Women's Health and Genetics/Laboratory Corporation of America, LabCorp); PubMed 19250818 (cited by Laboratory for Molecular Medicine, Mass General Brigham Personalized Medicine); PubMed 15805151 (cited by Laboratory for Molecular Medicine, Mass General Brigham Personalized Medicine and Women's Health and Genetics/Laboratory Corporation of America, LabCorp).